The following is an entry in ClinVar:

ClinVar aggregate classification (germline): Uncertain significance (1 of 4 stars; one submission).

Submission:

Dasa
Classification: Uncertain significance. Last evaluated: 2025-07-07. Review status: criteria provided, single submitter. Criteria: DASA Assertion Criteria. Collection method: clinical testing. Allele origin: germline.
Comment: NM_020971.3(SPTBN4):c.658C>G (p.His220Asp) is a missense variant that results in the substitution of histidine with aspartic acid. This variant is absent from population databases. Computational prediction algorithms are consistent with a deleterious effect. The currently available literature and clinical evidence are not sufficient to establish a definitive association between this variant and the reported condition. Therefore, this variant is classified as a variant of uncertain significance.

NM_020971.3(SPTBN4):c.658C>G (p.His220Asp)

Gene: SPTBN4 (spectrin beta, non-erythrocytic 4; plus strand). Cytogenetic location: 19q13.2.
Variant type: single nucleotide variant.
Coding change: c.658C>G on transcript NM_020971.3 (MANE Select); coding-DNA position 658, C replaced by G.
Protein change: p.His220Asp; replaces histidine 220 with aspartic acid.
Molecular consequence: missense variant.
Genome position (GRCh38, 1-based): chr19:40,494,967, C>G. VCF-style: chr19-40494967-C-G. GRCh37 (hg19) VCF-style: chr19-41000874-C-G.
Other names: short protein forms H220D.
Identifiers: ClinVar variation 4883613 (VCV004883613.2).